The following is an entry in ClinVar:

ClinVar aggregate classification (germline): Conflicting classifications of pathogenicity. Review status: criteria provided, conflicting classifications (1 of 4 stars). 3 submissions from 3 submitters: Likely pathogenic (2); Uncertain significance (1). Last evaluated 2021-04-30.

Submissions (3):

GeneDx
Classification: Likely pathogenic. Last evaluated: 2021-04-30. Review status: criteria provided, single submitter. Criteria: GeneDx Variant Classification Process June 2021. Collection method: clinical testing. Allele origin: germline. Affected: yes.
Comment: Has not been previously published as pathogenic or benign to our knowledge; Not observed in large population cohorts (Lek et al., 2016); In silico analysis supports that this missense variant has a deleterious effect on protein structure/function; Reported in ClinVar (ClinVar Variant ID#181279; Landrum et al., 2016)

Laboratory for Molecular Medicine, Mass General Brigham Personalized Medicine
Classification: Uncertain significance. Last evaluated: 2015-01-28. Review status: criteria provided, single submitter. Criteria: LMM Criteria. Collection method: clinical testing. Allele origin: germline. Observed: 1 variant allele.
Comment: Variant classified as Uncertain Significance - Favor Pathogenic. The p.Ala1800Va l variant in MYH7 has not been previously reported in individuals with cardiomyo pathy or in large population studies. Alanine (Ala) at position 1800 is highly c onserved in evolution and the change to valine (Val) was predicted to be pathoge nic using a computational tool clinically validated by our laboratory. This tool 's pathogenic prediction is estimated to be correct 94% of the time (Jordan 2011 ). In summary, while there is some suspicion for a pathogenic role, the clinical significance of the p.Ala1800Val variant is uncertain.

Stanford Center for Inherited Cardiovascular Disease, Stanford University
Classification: Likely pathogenic. Last evaluated: 2012-11-16. Review status: criteria provided, single submitter. Criteria: ACMG Guidelines, 2015. Collection method: provider interpretation. Allele origin: germline.

NM_000257.4(MYH7):c.5399C>T (p.Ala1800Val)

Gene: MYH7 (myosin heavy chain 7; minus strand). Cytogenetic location: 14q11.2.
Variant type: single nucleotide variant.
Coding change: c.5399C>T on transcript NM_000257.4 (MANE Select); coding-DNA position 5399, C replaced by T.
Protein change: p.Ala1800Val; replaces alanine 1800 with valine.
Molecular consequence: missense variant.
Genome position (GRCh38, 1-based): chr14:23,415,155, G>A on the plus strand (C>T on the coding strand, the complement: MYH7 is on the minus strand). VCF-style: chr14-23415155-G-A. GRCh37 (hg19) VCF-style: chr14-23884364-G-A.
Other names: p.A1800V:GCC>GTC; short protein forms A1800V.
Identifiers: ClinVar variation 181279 (VCV000181279.8), dbSNP rs730880817, ClinGen allele CA016070.